The following is an entry in ClinVar:

NM_001127222.2(CACNA1A):c.5140G>C (p.Gly1714Arg)

Gene: CACNA1A (calcium voltage-gated channel subunit alpha1 A; minus strand). Cytogenetic location: 19p13.13.
Variant type: single nucleotide variant.
Coding change: c.5140G>C on transcript NM_001127222.2 (MANE Select); coding-DNA position 5140, G replaced by C.
Protein change: p.Gly1714Arg; replaces glycine 1714 with arginine.
Molecular consequence: missense variant.
Genome position (GRCh38, 1-based): chr19:13,235,030, C>G on the plus strand (G>C on the coding strand, the complement: CACNA1A is on the minus strand). VCF-style: chr19-13235030-C-G. GRCh37 (hg19) VCF-style: chr19-13345844-C-G.
Other names: c.5158G>C, p.Gly1720Arg (NM_000068.4, NM_023035.3); c.5143G>C, p.Gly1715Arg (NM_001127221.2); c.5149G>C, p.Gly1717Arg (NM_001174080.2); short protein forms G1717R, G1720R, G1714R, G1715R.
Identifiers: ClinVar variation 2034772 (VCV002034772.4), dbSNP rs2512644080, ClinGen allele CA404335767.

ClinVar aggregate classification (germline): Uncertain significance (1 of 4 stars; one submission).

Conditions:
Episodic ataxia type 2 (EA2). Also called: ATAXIA, EPISODIC, WITH NYSTAGMUS; ATAXIA, FAMILIAL PAROXYSMAL; CEREBELLAR ATAXIA, PAROXYSMAL, ACETAZOLAMIDE-RESPONSIVE; CEREBELLOPATHY, HEREDITARY PAROXYSMAL; ACETAZOLAMIDE-RESPONSIVE HEREDITARY PAROXYSMAL CEREBELLAR ATAXIA; EPISODIC ATAXIA, NYSTAGMUS-ASSOCIATED. Identifiers: Orphanet 97, MedGen C1720416, MONDO:0007163, OMIM 108500.
Developmental and epileptic encephalopathy, 42 (DEE42A). Also called: Epileptic encephalopathy, early infantile, 42; DEVELOPMENTAL AND EPILEPTIC ENCEPHALOPATHY 42A; EPILEPTIC ENCEPHALOPATHY, EARLY INFANTILE, 42A. Identifiers: MedGen C4310716, MONDO:0014917, OMIM 617106.

Submission:

Labcorp Genetics (formerly Invitae), Labcorp
Classification: Uncertain significance for Developmental and epileptic encephalopathy, 42; Episodic ataxia type 2. Last evaluated: 2022-10-08. Review status: criteria provided, single submitter. Criteria: Invitae Variant Classification Sherloc (09022015). Collection method: clinical testing. Allele origin: germline.
Comment: In summary, the available evidence is currently insufficient to determine the role of this variant in disease. Therefore, it has been classified as a Variant of Uncertain Significance. Advanced modeling of protein sequence and biophysical properties (such as structural, functional, and spatial information, amino acid conservation, physicochemical variation, residue mobility, and thermodynamic stability) performed at Invitae indicates that this missense variant is expected to disrupt CACNA1A protein function. This variant has not been reported in the literature in individuals affected with CACNA1A-related conditions. This variant is not present in population databases (gnomAD no frequency). This sequence change replaces glycine, which is neutral and non-polar, with arginine, which is basic and polar, at codon 1715 of the CACNA1A protein (p.Gly1715Arg).